The following is an entry in ClinVar:

NM_031475.3(ESPN):c.2405+12G>A

Gene: ESPN (espin; plus strand). Cytogenetic location: 1p36.31.
Variant type: single nucleotide variant.
Coding change: c.2405+12G>A on transcript NM_031475.3 (MANE Select); 12 bases into the intron after coding-DNA position 2405, G replaced by A.
Molecular consequence: intron variant.
Genome position (GRCh38, 1-based): chr1:6,457,275, G>A. VCF-style: chr1-6457275-G-A. GRCh37 (hg19) VCF-style: chr1-6517335-G-A.
Other names: c.2342+12G>A (NM_001367474.1); c.2315+12G>A (NM_001367473.1).
Identifiers: ClinVar variation 227361 (VCV000227361.4), dbSNP rs876657462, ClinGen allele CA10576433.

ClinVar aggregate classification (germline): Likely benign (1 of 4 stars; one submission).

Allele frequency attached by ClinVar (database versions not stated): gnomAD exomes below 0.00001; TOPMed 0.00002; gnomAD 0.00003.
gnomAD v4.1: 25 of 1,614,076 alleles (0.0015%); highest among the groups gnomAD compares: Non-Finnish European, 0.002%; no homozygotes.

Submission:

Laboratory for Molecular Medicine, Mass General Brigham Personalized Medicine
Classification: Likely benign. Last evaluated: 2016-03-29. Review status: criteria provided, single submitter. Criteria: LMM Criteria. Collection method: clinical testing. Allele origin: germline. Observed: 1 variant allele.
Comment: c.2405+12G>A in intron 11 of ESPN: This variant is not expected to have clinical significance because it is not located within the splice consensus sequence.